The following is an entry in ClinVar:

NM_002296.4(LBR):c.416T>C (p.Ile139Thr)

Gene: LBR (lamin B receptor; minus strand). Cytogenetic location: 1q42.12.
Variant type: single nucleotide variant.
Coding change: c.416T>C on transcript NM_002296.4 (MANE Select); coding-DNA position 416, T replaced by C.
Protein change: p.Ile139Thr; replaces isoleucine 139 with threonine.
Molecular consequence: missense variant.
Genome position (GRCh38, 1-based): chr1:225,419,749, A>G on the plus strand (T>C on the coding strand, the complement: LBR is on the minus strand). VCF-style: chr1-225419749-A-G. GRCh37 (hg19) VCF-style: chr1-225607451-A-G.
Other names: c.416T>C, p.Ile139Thr (NM_194442.3); short protein forms I139T.
Identifiers: ClinVar variation 2094971 (VCV002094971.4), dbSNP rs760061264, ClinGen allele CA1417476.
Genomic context (GRCh38, chr1:225,419,749, plus strand): 5'-CAAGATGAAAGGGAACACTTTCCCACCTGTGTATTTTTATGAGGTGCGTCATTTCTCTCA[A>G]TATGCTCAGGCTCCCCATTATATCTGCTGATGCTATTTCCAAATGGCTTCTAAATTGAAG-3'
Protein context (NP_002287.2, residues 129-149): ISRYNGEPEH[Ile139Thr]ERNDAPHKNT

ClinVar aggregate classification (germline): Uncertain significance (1 of 4 stars; one submission).

Allele frequency attached by ClinVar (database versions not stated): TOPMed 0.00001; gnomAD 0.00002; gnomAD exomes 0.00002; ExAC 0.00003.
gnomAD v4.1: 25 of 1,612,920 alleles (0.0015%); highest among the groups gnomAD compares: East Asian, 0.029%; no homozygotes.

Submission:

Labcorp Genetics (formerly Invitae), Labcorp
Classification: Uncertain significance. Last evaluated: 2023-08-04. Review status: criteria provided, single submitter. Criteria: Invitae Variant Classification Sherloc (09022015). Collection method: clinical testing. Allele origin: germline.
Comment: This sequence change replaces isoleucine, which is neutral and non-polar, with threonine, which is neutral and polar, at codon 139 of the LBR protein (p.Ile139Thr). ClinVar contains an entry for this variant (Variation ID: 2094971). This variant is present in population databases (rs760061264, gnomAD 0.02%). This variant has not been reported in the literature in individuals affected with LBR-related conditions. Advanced modeling of protein sequence and biophysical properties (such as structural, functional, and spatial information, amino acid conservation, physicochemical variation, residue mobility, and thermodynamic stability) performed at Invitae indicates that this missense variant is not expected to disrupt LBR protein function. In summary, the available evidence is currently insufficient to determine the role of this variant in disease. Therefore, it has been classified as a Variant of Uncertain Significance.